The following is an entry in ClinVar:

ClinVar aggregate classification (germline): Pathogenic/Likely pathogenic. Review status: criteria provided, multiple submitters, no conflicts (2 of 4 stars). 2 submissions from 2 submitters: Pathogenic (1); Likely pathogenic (1). Last evaluated 2023-10-30.

Conditions:
Familial cancer of breast. Also called: BREAST CANCER, FAMILIAL; hereditary breast carcinoma; Hereditary breast cancer. Identifiers: Orphanet 227535, MedGen C0346153, MONDO:0016419, OMIM 114480. Disease mechanism: loss of function.
Ataxia-telangiectasia syndrome (AT). Also called: Cerebello-oculocutaneous telangiectasia; Immunodeficiency with ataxia telangiectasia; ATAXIA-TELANGIECTASIA, FRESNO VARIANT; Ataxia-telangiectasia, complementation group D; Ataxia telangiectasia (A-T); LOUIS-BAR SYNDROME. Identifiers: Orphanet 100, MedGen C0004135, MONDO:0008840, OMIM 208900.

Submissions (2):

Baylor Genetics
Classification: Likely pathogenic for Familial cancer of breast. Last evaluated: 2023-10-30. Review status: criteria provided, single submitter. Criteria: ACMG Guidelines, 2015. Collection method: clinical testing. Allele origin: unknown.

Labcorp Genetics (formerly Invitae), Labcorp
Classification: Pathogenic for Ataxia-telangiectasia syndrome. Last evaluated: 2020-08-30. Review status: criteria provided, single submitter. Criteria: Invitae Variant Classification Sherloc (09022015). Collection method: clinical testing. Allele origin: germline.
Comment: For these reasons, this variant has been classified as Pathogenic. Loss-of-function variants in ATM are known to be pathogenic (PMID: 23807571, 25614872). This variant has not been reported in the literature in individuals with ATM-related conditions. This variant is not present in population databases (ExAC no frequency). This sequence change creates a premature translational stop signal (p.Phe61Leufs*15) in the ATM gene. It is expected to result in an absent or disrupted protein product.

Literature cited by the submitters: PubMed 23807571 (cited by Labcorp Genetics (formerly Invitae), Labcorp); PubMed 25614872 (cited by Labcorp Genetics (formerly Invitae), Labcorp).

NM_000051.4(ATM):c.183del (p.Phe61fs)

Gene: ATM (ATM serine/threonine kinase; plus strand). Cytogenetic location: 11q22.3.
Variant type: Deletion.
Coding change: c.183del on transcript NM_000051.4 (MANE Select); coding-DNA position 183, one base deleted (T; older notation c.183delT).
Protein change: p.Phe61fs; shifts the reading frame from phenylalanine 61.
Molecular consequence: frameshift variant.
Genome position (GRCh38, 1-based): chr11:108,227,886, T deleted; the last of 5 consecutive T bases (chr11:108,227,882-108,227,886); deleting any one gives the same sequence. VCF-style (leftmost placement, unchanged base first): chr11-108227881-GT-G. GRCh37 (hg19) VCF-style: chr11-108098608-GT-G.
Other names: c.183del, p.Phe61fs (NM_001351834.2, NM_001351835.2, NM_001351836.2); short protein forms F61fs.
Identifiers: ClinVar variation 1075036 (VCV001075036.8), dbSNP rs2135014976, ClinGen allele CA476668092.
Genomic context (GRCh38, chr11:108,227,881, plus strand): 5'-ATTAAACATCTAGATCGGCATTCAGATTCCAAACAAGGAAAATATTTGAATTGGGATGCT[GT>G]TTTTAGGTATTCTATTCAAATTTATTTTACTGTCTTTATTTTTCTCTTTCATATTTATTT-3'